The following is an entry in ClinVar:

ClinVar aggregate classification (germline): Uncertain significance (1 of 4 stars; one submission).

Conditions:
Cardiovascular phenotype. Identifiers: MedGen CN230736.

Submission:

Ambry Genetics
Classification: Uncertain significance for Cardiovascular phenotype. Last evaluated: 2024-09-04. Review status: criteria provided, single submitter. Criteria: Ambry Variant Classification Scheme 2023. Collection method: clinical testing. Allele origin: germline.
Comment: The p.K4406N variant (also known as c.13218G>C), located in coding exon 29 of the APOB gene, results from a G to C substitution at nucleotide position 13218. The lysine at codon 4406 is replaced by asparagine, an amino acid with similar properties. This amino acid position is conserved. In addition, this alteration is predicted to be tolerated by in silico analysis. Based on the available evidence, the clinical significance of this variant remains unclear.

NM_000384.3(APOB):c.13218G>C (p.Lys4406Asn)

Gene: APOB (apolipoprotein B; minus strand). Cytogenetic location: 2p24.1.
Variant type: single nucleotide variant.
Coding change: c.13218G>C on transcript NM_000384.3 (MANE Select); coding-DNA position 13218, G replaced by C.
Protein change: p.Lys4406Asn; replaces lysine 4406 with asparagine.
Molecular consequence: missense variant.
Genome position (GRCh38, 1-based): chr2:21,002,204, C>G on the plus strand (G>C on the coding strand, the complement: APOB is on the minus strand). VCF-style: chr2-21002204-C-G. GRCh37 (hg19) VCF-style: chr2-21225076-C-G.
Other names: short protein forms K4406N.
Identifiers: ClinVar variation 3415964 (VCV003415964.1).